The following is an entry in ClinVar:

NM_000081.4(LYST):c.5718T>A (p.Ala1906=)

Gene: LYST (lysosomal trafficking regulator; minus strand). Cytogenetic location: 1q42.3.
Variant type: single nucleotide variant.
Coding change: c.5718T>A on transcript NM_000081.4 (MANE Select); coding-DNA position 5718, T replaced by A.
Protein change: p.Ala1906=; no amino-acid change (alanine 1906 retained).
Molecular consequence: synonymous variant.
Genome position (GRCh38, 1-based): chr1:235,773,908, A>T on the plus strand (T>A on the coding strand, the complement: LYST is on the minus strand). VCF-style: chr1-235773908-A-T. GRCh37 (hg19) VCF-style: chr1-235937208-A-T.
Other names: c.5718T>A, p.Ala1906= (NM_001301365.1).
Identifiers: ClinVar variation 1907265 (VCV001907265.6), dbSNP rs745529275, ClinGen allele CA1466547.

ClinVar aggregate classification (germline): Likely benign. Review status: criteria provided, multiple submitters, no conflicts (2 of 4 stars). 2 submissions from 2 submitters: Likely benign (2). Last evaluated 2026-03-31.

Conditions:
LYST-related disorder. Also called: LYST-related condition.
Chédiak-Higashi syndrome (CHS). Also called: Chediak-Higashi Syndrome. Identifiers: Orphanet 167, MedGen C0007965, MONDO:0008963, OMIM 214500.

Allele frequency attached by ClinVar (database versions not stated): gnomAD exomes 0.00001; TOPMed 0.00002; ExAC 0.00003.
gnomAD v4.1: 4 of 1,605,632 alleles (0.00025%); highest among the groups gnomAD compares: Admixed American, 0.0067%; no homozygotes.

Submissions (2):

PreventionGenetics, part of Exact Sciences
Classification: Likely benign for LYST-related condition. Last evaluated: 2026-03-31. Review status: criteria provided, single submitter. Criteria: ACMG Guidelines, 2015. Collection method: clinical testing. Allele origin: germline.
Comment: This variant is classified as likely benign based on ACMG/AMP sequence variant interpretation guidelines (Richards et al. 2015 PMID: 25741868, with internal and published modifications).

Labcorp Genetics (formerly Invitae), Labcorp
Classification: Likely benign for Chédiak-Higashi syndrome. Last evaluated: 2025-06-27. Review status: criteria provided, single submitter. Criteria: Invitae Variant Classification Sherloc (09022015). Collection method: clinical testing. Allele origin: germline.